The following is an entry in ClinVar:

NM_000338.3(SLC12A1):c.2873_2873+1delinsCC

Gene: SLC12A1 (solute carrier family 12 member 1; plus strand). Cytogenetic location: 15q21.1.
Variant type: Indel.
Coding change: c.2873_2873+1delinsCC on transcript NM_000338.3 (MANE Select); coding-DNA position 2873 through the canonical splice donor site of the intron after coding-DNA position 2873, TG replaced by CC.
Molecular consequence: splice donor variant.
Genome position (GRCh38, 1-based): chr15:48,288,516-48,288,517, TG replaced by CC. VCF-style: chr15-48288516-TG-CC. GRCh37 (hg19) VCF-style: chr15-48580713-TG-CC.
Other names: c.2873_2873+1delinsCC (NM_001384136.1, NM_001184832.2).
Identifiers: ClinVar variation 1515280 (VCV001515280.6), dbSNP rs2141115303, ClinGen allele CA2573150904.

ClinVar aggregate classification (germline): Likely pathogenic (1 of 4 stars; one submission).

Submission:

Labcorp Genetics (formerly Invitae), Labcorp
Classification: Likely pathogenic. Last evaluated: 2026-01-22. Review status: criteria provided, single submitter. Criteria: Invitae Variant Classification Sherloc (09022015). Collection method: clinical testing. Allele origin: germline.
Comment: This variant results in the deletion of part of exon 23 (c.2873_2873+1delinsCC) of the SLC12A1 gene. It is expected to disrupt RNA splicing. Variants that disrupt the donor or acceptor splice site typically lead to a loss of protein function (PMID: 16199547), and loss-of-function variants in SLC12A1 are known to be pathogenic (PMID: 8640224, 9585600, 19096086). Information on the frequency of this variant in the gnomAD database is not available, as this variant may be reported differently in the database. This variant has not been reported in the literature in individuals affected with SLC12A1-related conditions. ClinVar contains an entry for this variant (Variation ID: 1515280). In summary, the currently available evidence indicates that the variant is pathogenic, but additional data are needed to prove that conclusively. Therefore, this variant has been classified as Likely Pathogenic.

Literature cited by the submitters: PubMed 16199547; PubMed 8640224; PubMed 9585600; PubMed 19096086.